The following is an entry in ClinVar:

ClinVar aggregate classification (germline): Likely benign (1 of 4 stars; one submission).

Allele frequency attached by ClinVar (database versions not stated): TOPMed 0.00004; gnomAD 0.00005; ExAC 0.00007; gnomAD exomes 0.00007; ESP Exome Variant Server 0.00008.
gnomAD v4.1: 107 of 1,607,968 alleles (0.0067%); highest among the groups gnomAD compares: Non-Finnish European, 0.0083%; no homozygotes.

Submission:

CeGaT Center for Human Genetics Tuebingen
Classification: Likely benign. Last evaluated: 2024-02-01. Review status: criteria provided, single submitter. Criteria: CeGaT Center For Human Genetics Tuebingen Variant Classification Criteria Version 2. Collection method: clinical testing. Allele origin: germline. Affected: yes. Observed: 1 variant allele.
Comment: SPTBN5: BP4, BP7

NM_016642.4(SPTBN5):c.3486C>T (p.Asp1162=)

Gene: SPTBN5 (spectrin beta, non-erythrocytic 5; minus strand). Cytogenetic location: 15q15.1.
Variant type: single nucleotide variant.
Coding change: c.3486C>T on transcript NM_016642.4 (MANE Select); coding-DNA position 3486, C replaced by T.
Protein change: p.Asp1162=; no amino-acid change (aspartic acid 1162 retained).
Molecular consequence: synonymous variant.
Genome position (GRCh38, 1-based): chr15:41,877,341, G>A on the plus strand (C>T on the coding strand, the complement: SPTBN5 is on the minus strand). VCF-style: chr15-41877341-G-A. GRCh37 (hg19) VCF-style: chr15-42169539-G-A.
Identifiers: ClinVar variation 3026070 (VCV003026070.22), dbSNP rs377585270, ClinGen allele CA7503589.